The following is an entry in ClinVar:

NM_000455.5(STK11):c.448G>C (p.Val150Leu)

Gene: STK11 (serine/threonine kinase 11; plus strand). Cytogenetic location: 19p13.3.
Variant type: single nucleotide variant.
Coding change: c.448G>C on transcript NM_000455.5 (MANE Select); coding-DNA position 448, G replaced by C.
Protein change: p.Val150Leu; replaces valine 150 with leucine.
Molecular consequence: missense variant.
Genome position (GRCh38, 1-based): chr19:1,219,397, G>C. VCF-style: chr19-1219397-G-C. GRCh37 (hg19) VCF-style: chr19-1219396-G-C.
Other names: short protein forms V150L.
Identifiers: ClinVar variation 1022826 (VCV001022826.7), dbSNP rs1225872771, ClinGen allele CA402948354.

ClinVar aggregate classification (germline): Uncertain significance. Review status: criteria provided, multiple submitters, no conflicts (2 of 4 stars). 2 submissions from 2 submitters: Uncertain significance (2). Last evaluated 2025-03-04.

Conditions:
Peutz-Jeghers syndrome (PJS). Also called: Peutz-Jeghers polyposis; Periorificial lentiginosis syndrome; POLYPOSIS, HAMARTOMATOUS INTESTINAL; POLYPS-AND-SPOTS SYNDROME. Identifiers: Orphanet 2869, MedGen C0031269, MeSH D010580, MONDO:0008280, OMIM 175200.

Submissions (2):

Center for Genomic Medicine, Rigshospitalet, Copenhagen University Hospital
Classification: Uncertain significance. Last evaluated: 2025-03-04. Review status: criteria provided, single submitter. Criteria: ACMG Guidelines, 2015. Collection method: clinical testing. Allele origin: germline.

Labcorp Genetics (formerly Invitae), Labcorp
Classification: Uncertain significance for Peutz-Jeghers syndrome. Last evaluated: 2024-11-18. Review status: criteria provided, single submitter. Criteria: Invitae Variant Classification Sherloc (09022015). Collection method: clinical testing. Allele origin: germline.
Comment: This sequence change replaces valine, which is neutral and non-polar, with leucine, which is neutral and non-polar, at codon 150 of the STK11 protein (p.Val150Leu). This variant is not present in population databases (gnomAD no frequency). This variant has not been reported in the literature in individuals affected with STK11-related conditions. ClinVar contains an entry for this variant (Variation ID: 1022826). Invitae Evidence Modeling of protein sequence and biophysical properties (such as structural, functional, and spatial information, amino acid conservation, physicochemical variation, residue mobility, and thermodynamic stability) indicates that this missense variant is not expected to disrupt STK11 protein function with a negative predictive value of 95%. In summary, the available evidence is currently insufficient to determine the role of this variant in disease. Therefore, it has been classified as a Variant of Uncertain Significance.